The following is an entry in ClinVar:

ClinVar aggregate classification (germline): Pathogenic. Review status: criteria provided, single submitter (1 of 4 stars). 3 submissions from 3 submitters: Pathogenic (1). 2 of the submissions do not count toward it. Last evaluated 2022-10-05.

Conditions:
Sjögren-Larsson syndrome (SLS). Also called: FALDH DEFICIENCY; FATTY ALCOHOL:NAD+ OXIDOREDUCTASE DEFICIENCY; FATTY ALDEHYDE DEHYDROGENASE DEFICIENCY; ICHTHYOSIS, SPASTIC NEUROLOGIC DISORDER, AND OLIGOPHRENIA. Identifiers: Orphanet 816, MedGen C0037231, MONDO:0010031, OMIM 270200.

Allele frequency attached by ClinVar (database versions not stated): gnomAD exomes below 0.00001.
gnomAD v4.1: 3 of 1,582,130 alleles (0.00019%); highest among the groups gnomAD compares: Non-Finnish European, 0.00017%; no homozygotes.

Submissions (3):

Labcorp Genetics (formerly Invitae), Labcorp
Classification: Pathogenic. Last evaluated: 2022-10-05. Review status: criteria provided, single submitter. Criteria: Invitae Variant Classification Sherloc (09022015). Collection method: clinical testing. Allele origin: germline.
Comment: For these reasons, this variant has been classified as Pathogenic. Variants that disrupt the consensus splice site are a relatively common cause of aberrant splicing (PMID: 17576681, 9536098). Studies have shown that this variant is associated with altered splicing resulting in two abnormal transcripts (PMID: 10577908). ClinVar contains an entry for this variant (Variation ID: 189079). This variant has been observed in individual(s) with Sjögren-Larsson syndrome (PMID: 10577908). This variant is not present in population databases (gnomAD no frequency). This sequence change falls in intron 5 of the ALDH3A2 gene. It does not directly change the encoded amino acid sequence of the ALDH3A2 protein. It affects a nucleotide within the consensus splice site.

Counsyl
Classification: Likely pathogenic for Sjögren-Larsson syndrome. Last evaluated: 2014-12-09. Review status: no assertion criteria provided. Collection method: literature only. Allele origin: unknown. Inheritance: Autosomal recessive inheritance. Not counted in ClinVar's aggregate classification.

Cytogénomique, Hospices Civils de Lyon
Classification: Pathogenic for Sjögren-Larsson syndrome. Review status: no assertion criteria provided. Collection method: clinical testing. Allele origin: inherited. Inheritance: Autosomal recessive inheritance. Affected: yes. Not counted in ClinVar's aggregate classification.

Literature cited by the submitters: PubMed 17576681 (cited by Labcorp Genetics (formerly Invitae), Labcorp); PubMed 9536098 (cited by Labcorp Genetics (formerly Invitae), Labcorp); PubMed 10577908 (cited by Labcorp Genetics (formerly Invitae), Labcorp and Counsyl).

NM_000382.3(ALDH3A2):c.798+5G>A

Gene: ALDH3A2 (aldehyde dehydrogenase 3 family member A2; plus strand). Cytogenetic location: 17p11.2.
Variant type: single nucleotide variant.
Coding change: c.798+5G>A on transcript NM_000382.3 (MANE Select); 5 bases into the intron after coding-DNA position 798, G replaced by A.
Molecular consequence: intron variant.
Genome position (GRCh38, 1-based): chr17:19,657,867, G>A. VCF-style: chr17-19657867-G-A. GRCh37 (hg19) VCF-style: chr17-19561180-G-A.
Other names: c.219+5G>A (NM_001369148.2); c.798+5G>A (NM_001369137.2, NM_001369138.2, NM_001369146.2 and 3 more transcripts).
Identifiers: ClinVar variation 189079 (VCV000189079.8), dbSNP rs786204677, ClinGen allele CA199114.